The following is an entry in ClinVar:

ClinVar aggregate classification (germline): Likely pathogenic (1 of 4 stars; one submission).

Submission:

Labcorp Genetics (formerly Invitae), Labcorp
Classification: Likely pathogenic. Last evaluated: 2022-02-20. Review status: criteria provided, single submitter. Criteria: Invitae Variant Classification Sherloc (09022015). Collection method: clinical testing. Allele origin: germline.
Comment: This sequence change affects a donor splice site in intron 28 of the ATP8A2 gene. It is expected to disrupt RNA splicing. Variants that disrupt the donor or acceptor splice site typically lead to a loss of protein function (PMID: 16199547), and loss-of-function variants in ATP8A2 are known to be pathogenic (PMID: 28454995, 29531481). This variant is not present in population databases (gnomAD no frequency). This variant has not been reported in the literature in individuals affected with ATP8A2-related conditions. Algorithms developed to predict the effect of sequence changes on RNA splicing suggest that this variant may disrupt the consensus splice site. In summary, the currently available evidence indicates that the variant is pathogenic, but additional data are needed to prove that conclusively. Therefore, this variant has been classified as Likely Pathogenic.

Literature cited by the submitters: PubMed 16199547; PubMed 28454995; PubMed 29531481.

NM_016529.6(ATP8A2):c.2754+1G>A

Gene: ATP8A2 (ATPase phospholipid transporting 8A2). Cytogenetic location: 13q12.13.
Variant type: single nucleotide variant.
Coding change: c.2754+1G>A on transcript NM_016529.6 (MANE Select); the canonical splice donor site of the intron after coding-DNA position 2754, G replaced by A.
Molecular consequence: splice donor variant. On other transcripts: intron variant (2).
Genome position (GRCh38, 1-based): chr13:25,828,193, G>A. VCF-style: chr13-25828193-G-A. GRCh37 (hg19) VCF-style: chr13-26402331-G-A.
Other names: c.2680-8970G>A (NM_001411005.1); c.2754+1G>A (NM_001411006.1); c.2560-8970G>A (NM_001313741.1).
Identifiers: ClinVar variation 2100428 (VCV002100428.4), dbSNP rs2542443619, ClinGen allele CA387681854.
Genomic context (GRCh38, chr13:25,828,193, plus strand): 5'-GTTAATGGATTTTCTGGGCAGATTTTATTTGAACGTTGGTGCATCGGCCTGTACAATGTG[G>A]TAAGCATTCTTCATCTCTATCTGATAGCATGCAGAACTTAGAACTTCAGTGACATTCCTT-3'